The following is an entry in ClinVar:

NM_004855.5(PIGB):c.1220A>G (p.His407Arg)

Gene: PIGB (phosphatidylinositol glycan anchor biosynthesis class B; plus strand). Cytogenetic location: 15q21.3.
Variant type: single nucleotide variant.
Coding change: c.1220A>G on transcript NM_004855.5 (MANE Select); coding-DNA position 1220, A replaced by G.
Protein change: p.His407Arg; replaces histidine 407 with arginine.
Molecular consequence: missense variant.
Genome position (GRCh38, 1-based): chr15:55,350,795, A>G. VCF-style: chr15-55350795-A-G. GRCh37 (hg19) VCF-style: chr15-55642993-A-G.
Other names: short protein forms H407R.
Identifiers: ClinVar variation 561082 (VCV000561082.4), dbSNP rs1566960044, ClinGen allele CA392543605.

ClinVar aggregate classification (germline): Uncertain significance. Review status: criteria provided, single submitter (1 of 4 stars). 2 submissions from 2 submitters: Uncertain significance (1). 1 of the submissions does not count toward it. Last evaluated 2017-09-01.

Conditions:
Hyperphosphatasia with impaired intellectual development syndrome 1. Also called: Hyperphosphatasia with intellectual disability syndrome 1; GLYCOSYLPHOSPHATIDYLINOSITOL BIOSYNTHESIS DEFECT 2; MABRY SYNDROME. Identifiers: Orphanet 247262, MedGen C4551502, MONDO:0009398, OMIM 239300.
Developmental and epileptic encephalopathy, 80. Also called: EPILEPTIC ENCEPHALOPATHY, EARLY INFANTILE, 80; GLYCOSYLPHOSPHATIDYLINOSITOL BIOSYNTHESIS DEFECT 20. Identifiers: MedGen C5231418, MONDO:0032822, OMIM 618580.

Submissions (2):

Baylor Genetics
Classification: Uncertain significance for Hyperphosphatasia with impaired intellectual development syndrome 1. Last evaluated: 2017-09-01. Review status: criteria provided, single submitter. Criteria: ACMG Guidelines, 2015. Collection method: clinical testing. Allele origin: germline. Inheritance: Autosomal recessive inheritance. Affected: yes.
Comment: The PIGB gene is located downstream of the PIGV gene in the glycosylphosphatidylinositol anchor biosynthesis pathway. Mutations in the PIGV gene_x000D_ are responsible for Mabry syndrome.

OMIM
Classification: Pathogenic for DEVELOPMENTAL AND EPILEPTIC ENCEPHALOPATHY 80. Last evaluated: 2020-10-20. Review status: no assertion criteria provided. Collection method: literature only. Allele origin: germline. Not counted in ClinVar's aggregate classification.

Literature cited by the submitters: PubMed 25326635 (cited by Baylor Genetics); PubMed 31256876 (cited by OMIM).